The following is an entry in ClinVar:

NM_004260.4(RECQL4):c.1146G>T (p.Lys382Asn)

Gene: RECQL4 (RecQ like helicase 4; minus strand). Cytogenetic location: 8q24.3.
Variant type: single nucleotide variant.
Coding change: c.1146G>T on transcript NM_004260.4 (MANE Select); coding-DNA position 1146, G replaced by T.
Protein change: p.Lys382Asn; replaces lysine 382 with asparagine.
Molecular consequence: missense variant.
Genome position (GRCh38, 1-based): chr8:144,515,876, C>A on the plus strand (G>T on the coding strand, the complement: RECQL4 is on the minus strand). VCF-style: chr8-144515876-C-A. GRCh37 (hg19) VCF-style: chr8-145741260-C-A.
Other names: c.1146G>T (NM_004260.3); short protein forms K382N.
Identifiers: ClinVar variation 1386334 (VCV001386334.8), dbSNP rs759321310, ClinGen allele CA4949009.
Genomic context (GRCh38, chr8:144,515,876, plus strand): 5'-AGACTCCTTGGTTGTGACTGTGGCACCACCACCCCCAAAACACTCCCCTTTCTTCCGCCA[C>A]TTCTGCTTCCATGCCTGGGGGGTGCCCACATAGGAGGGTCACTGGGCGGGAAATACGGGA-3'
Protein context (NP_004251.4, residues 372-392): RLLRKQAWKQ[Lys382Asn]WRKKGECFGG

ClinVar aggregate classification (germline): Uncertain significance. Review status: criteria provided, multiple submitters, no conflicts (2 of 4 stars). 3 submissions from 3 submitters: Uncertain significance (3). Last evaluated 2026-02-17.

Conditions:
Inborn genetic diseases. Identifiers: MedGen C0950123, MeSH D030342.
Baller-Gerold syndrome (BGS). Also called: CRANIOSYNOSTOSIS WITH RADIAL DEFECTS. Identifiers: Orphanet 1225, MedGen C0265308, MONDO:0009039, OMIM 218600.

Allele frequency attached by ClinVar (database versions not stated): gnomAD 0.00002.

Submissions (3):

GeneDx
Classification: Uncertain significance. Last evaluated: 2026-02-17. Review status: criteria provided, single submitter. Criteria: GeneDx Variant Classification Process June 2021. Collection method: clinical testing. Allele origin: germline.
Comment: Not observed at significant frequency in large population cohorts (gnomAD); In silico analysis supports that this missense variant has a deleterious effect on protein structure/function; Has not been previously published as pathogenic or benign to our knowledge

Ambry Genetics
Classification: Uncertain significance for Inborn genetic diseases. Last evaluated: 2024-12-20. Review status: criteria provided, single submitter. Criteria: Ambry Variant Classification Scheme 2023. Collection method: clinical testing. Allele origin: germline.
Comment: The p.K382N variant (also known as c.1146G>T), located in coding exon 6 of the RECQL4 gene, results from a G to T substitution at nucleotide position 1146. The lysine at codon 382 is replaced by asparagine, an amino acid with similar properties. This amino acid position is conserved. In addition, this alteration is predicted to be tolerated by in silico analysis. Based on the available evidence, the clinical significance of this variant remains unclear.

Labcorp Genetics (formerly Invitae), Labcorp
Classification: Uncertain significance for Baller-Gerold syndrome. Last evaluated: 2023-09-08. Review status: criteria provided, single submitter. Criteria: Invitae Variant Classification Sherloc (09022015). Collection method: clinical testing. Allele origin: germline.
Comment: In summary, the available evidence is currently insufficient to determine the role of this variant in disease. Therefore, it has been classified as a Variant of Uncertain Significance. Advanced modeling of protein sequence and biophysical properties (such as structural, functional, and spatial information, amino acid conservation, physicochemical variation, residue mobility, and thermodynamic stability) performed at Invitae indicates that this missense variant is expected to disrupt RECQL4 protein function. ClinVar contains an entry for this variant (Variation ID: 1386334). This variant has not been reported in the literature in individuals affected with RECQL4-related conditions. This variant is present in population databases (rs759321310, gnomAD 0.0009%). This sequence change replaces lysine, which is basic and polar, with asparagine, which is neutral and polar, at codon 382 of the RECQL4 protein (p.Lys382Asn).